The following is an entry in ClinVar:

ClinVar aggregate classification (germline): Uncertain significance (1 of 4 stars; one submission).

Conditions:
Progressive myoclonic epilepsy type 3. Also called: EPILEPSY, PROGRESSIVE MYOCLONIC, 3, WITH OR WITHOUT INTRACELLULAR INCLUSIONS; CEROID LIPOFUSCINOSIS, NEURONAL, 14; EPILEPSY, PROGRESSIVE MYOCLONIC, 3, WITHOUT INTRACELLULAR INCLUSIONS; KCTD7-Related Progressive Myoclonic Epilepsy. Identifiers: Orphanet 263516, MedGen C2673257, MONDO:0012721, OMIM 611726.

Submission:

Labcorp Genetics (formerly Invitae), Labcorp
Classification: Uncertain significance for Progressive myoclonic epilepsy type 3. Last evaluated: 2020-04-29. Review status: criteria provided, single submitter. Criteria: Invitae Variant Classification Sherloc (09022015). Collection method: clinical testing. Allele origin: germline.
Comment: This sequence change replaces cysteine with tyrosine at codon 204 of the KCTD7 protein (p.Cys204Tyr). The cysteine residue is highly conserved and there is a large physicochemical difference between cysteine and tyrosine. This variant is not present in population databases (ExAC no frequency). In summary, the available evidence is currently insufficient to determine the role of this variant in disease. Therefore, it has been classified as a Variant of Uncertain Significance. Algorithms developed to predict the effect of missense changes on protein structure and function (SIFT, PolyPhen-2, Align-GVGD) all suggest that this variant is likely to be tolerated, but these predictions have not been confirmed by published functional studies and their clinical significance is uncertain. This variant has not been reported in the literature in individuals with KCTD7-related conditions.

NM_153033.5(KCTD7):c.611G>A (p.Cys204Tyr)

Gene: KCTD7 (potassium channel tetramerization domain containing 7; plus strand). Cytogenetic location: 7q11.21.
Variant type: single nucleotide variant.
Coding change: c.611G>A on transcript NM_153033.5 (MANE Select); coding-DNA position 611, G replaced by A.
Protein change: p.Cys204Tyr; replaces cysteine 204 with tyrosine.
Molecular consequence: missense variant.
Genome position (GRCh38, 1-based): chr7:66,638,973, G>A. VCF-style: chr7-66638973-G-A. GRCh37 (hg19) VCF-style: chr7-66103960-G-A.
Other names: c.611G>A, p.Cys204Tyr (NM_001167961.2); short protein forms C204Y.
Identifiers: ClinVar variation 1006234 (VCV001006234.9), dbSNP rs1786649821, ClinGen allele CA367696969.